The following is an entry in ClinVar:

NM_002834.5(PTPN11):c.281A>G (p.Asp94Gly)

Gene: PTPN11 (protein tyrosine phosphatase non-receptor type 11; plus strand). Cytogenetic location: 12q24.13.
Variant type: single nucleotide variant.
Coding change: c.281A>G on transcript NM_002834.5 (MANE Select); coding-DNA position 281, A replaced by G.
Protein change: p.Asp94Gly; replaces aspartic acid 94 with glycine.
Molecular consequence: missense variant.
Genome position (GRCh38, 1-based): chr12:112,450,461, A>G. VCF-style: chr12-112450461-A-G. GRCh37 (hg19) VCF-style: chr12-112888265-A-G.
Other names: c.281A>G, p.Asp94Gly (NM_001330437.2, NM_080601.3); c.278A>G, p.Asp93Gly (NM_001374625.1); short protein forms D93G, D94G.
Identifiers: ClinVar variation 1431950 (VCV001431950.10), dbSNP rs2135862786, ClinGen allele CA386778190.

ClinVar aggregate classification (germline): Uncertain significance. Review status: criteria provided, multiple submitters, no conflicts (2 of 4 stars). 2 submissions from 2 submitters: Uncertain significance (2). Last evaluated 2024-09-26.

Conditions:
RASopathy. Also called: rasopathies; Noonan spectrum disorder. Identifiers: Orphanet 536391, MedGen C5555857, MONDO:0021060.

Submissions (2):

Dasa
Classification: Uncertain significance. Last evaluated: 2024-09-26. Review status: criteria provided, single submitter. Criteria: DASA Assertion Criteria. Collection method: clinical testing. Allele origin: germline.
Comment: NM_002834.5(PTPN11):c.281A>G (p.Asp94Gly) is a missense variant that results in the substitution of aspartic acid with glycine. This variant is absent from population databases. The currently available literature and clinical evidence are not sufficient to establish a definitive association between this variant and the reported condition. Therefore, this variant is classified as a variant of uncertain significance.

Labcorp Genetics (formerly Invitae), Labcorp
Classification: Uncertain significance for RASopathy. Last evaluated: 2020-12-23. Review status: criteria provided, single submitter. Criteria: Invitae Variant Classification Sherloc (09022015). Collection method: clinical testing. Allele origin: germline.
Comment: This sequence change replaces aspartic acid with glycine at codon 94 of the PTPN11 protein (p.Asp94Gly). The aspartic acid residue is moderately conserved and there is a moderate physicochemical difference between aspartic acid and glycine. This variant is not present in population databases (ExAC no frequency). This variant has not been reported in the literature in individuals with PTPN11-related conditions. Algorithms developed to predict the effect of missense changes on protein structure and function are either unavailable or do not agree on the potential impact of this missense change (SIFT: "Tolerated"; PolyPhen-2: "Probably Damaging"; Align-GVGD: "Class C0"). In summary, the available evidence is currently insufficient to determine the role of this variant in disease. Therefore, it has been classified as a Variant of Uncertain Significance.